The following is an entry in ClinVar:

NM_004260.4(RECQL4):c.3185G>T (p.Arg1062Leu)

Gene: RECQL4 (RecQ like helicase 4; minus strand). Cytogenetic location: 8q24.3.
Variant type: single nucleotide variant.
Coding change: c.3185G>T on transcript NM_004260.4 (MANE Select); coding-DNA position 3185, G replaced by T.
Protein change: p.Arg1062Leu; replaces arginine 1062 with leucine.
Molecular consequence: missense variant.
Genome position (GRCh38, 1-based): chr8:144,512,195, C>A on the plus strand (G>T on the coding strand, the complement: RECQL4 is on the minus strand). VCF-style: chr8-144512195-C-A. GRCh37 (hg19) VCF-style: chr8-145737578-C-A.
Other names: c.2114G>T, p.Arg705Leu (NM_001413028.1, NM_001413034.1, NM_001413035.1 and 4 more transcripts); c.2834G>T, p.Arg945Leu (NM_001413029.1); c.2048G>T, p.Arg683Leu (NM_001413030.1, NM_001413032.1, NM_001413027.1); c.1916G>T, p.Arg639Leu (NM_001413031.1, NM_001413038.1); c.3053G>T, p.Arg1018Leu (NM_001413033.1); c.3185G>T, p.Arg1062Leu (NM_001413036.1); c.1982G>T, p.Arg661Leu (NM_001413037.1); c.2891G>T, p.Arg964Leu (NM_001413017.1); and 9 more; short protein forms R1019L, R1062L, R1087L, R695L, R730L, R945L, R996L, R1052L.
Identifiers: ClinVar variation 2091298 (VCV002091298.4), dbSNP rs558058260, ClinGen allele CA372669984.

ClinVar aggregate classification (germline): Uncertain significance (1 of 4 stars; one submission).

Conditions:
Baller-Gerold syndrome (BGS). Also called: CRANIOSYNOSTOSIS WITH RADIAL DEFECTS. Identifiers: Orphanet 1225, MedGen C0265308, MONDO:0009039, OMIM 218600.

Submission:

Labcorp Genetics (formerly Invitae), Labcorp
Classification: Uncertain significance for Baller-Gerold syndrome. Last evaluated: 2022-08-16. Review status: criteria provided, single submitter. Criteria: Invitae Variant Classification Sherloc (09022015). Collection method: clinical testing. Allele origin: germline.
Comment: Experimental studies and prediction algorithms are not available or were not evaluated, and the functional significance of this variant is currently unknown. In summary, the available evidence is currently insufficient to determine the role of this variant in disease. Therefore, it has been classified as a Variant of Uncertain Significance. This variant has not been reported in the literature in individuals affected with RECQL4-related conditions. This variant is not present in population databases (gnomAD no frequency). This sequence change replaces arginine, which is basic and polar, with leucine, which is neutral and non-polar, at codon 1062 of the RECQL4 protein (p.Arg1062Leu).